The following is an entry in ClinVar:

ClinVar aggregate classification (germline): Likely benign (0 of 4 stars; one submission).

Conditions:
PLXNB1-related disorder. Also called: PLXNB1-related condition.

Allele frequency attached by ClinVar (database versions not stated): ExAC 0.00144; ESP Exome Variant Server 0.00185; gnomAD 0.00256; TOPMed 0.00306; 1000 Genomes Project 0.00339; 1000 Genomes Project 30x 0.00344.
gnomAD v4.1: 3,765 of 1,614,042 alleles (0.23%); highest among the groups gnomAD compares: Admixed American, 0.43%; 10 homozygotes.

Submission:

PreventionGenetics, part of Exact Sciences
Classification: Likely benign for PLXNB1-related condition. Last evaluated: 2023-02-01. Review status: no assertion criteria provided. Collection method: clinical testing. Allele origin: germline.
Comment: This variant is classified as likely benign based on ACMG/AMP sequence variant interpretation guidelines (Richards et al. 2015 PMID: 25741868, with internal and published modifications).

NM_001130082.3(PLXNB1):c.655G>A (p.Val219Met)

Gene: PLXNB1 (plexin B1; minus strand). Cytogenetic location: 3p21.31.
Variant type: single nucleotide variant.
Coding change: c.655G>A on transcript NM_001130082.3 (MANE Select); coding-DNA position 655, G replaced by A.
Protein change: p.Val219Met; replaces valine 219 with methionine.
Molecular consequence: missense variant.
Genome position (GRCh38, 1-based): chr3:48,423,957, C>T on the plus strand (G>A on the coding strand, the complement: PLXNB1 is on the minus strand). VCF-style: chr3-48423957-C-T. GRCh37 (hg19) VCF-style: chr3-48465366-C-T.
Other names: c.655G>A, p.Val219Met (NM_002673.6); short protein forms V219M.
Identifiers: ClinVar variation 3042720 (VCV003042720.2), dbSNP rs146847340, ClinGen allele CA2375311.